The following is an entry in ClinVar:

NM_001135651.3(EIF2AK2):c.401A>G (p.Lys134Arg)

Gene: EIF2AK2 (eukaryotic translation initiation factor 2 alpha kinase 2; minus strand). Cytogenetic location: 2p22.2.
Variant type: single nucleotide variant.
Coding change: c.401A>G on transcript NM_001135651.3 (MANE Select); coding-DNA position 401, A replaced by G.
Protein change: p.Lys134Arg; replaces lysine 134 with arginine.
Molecular consequence: missense variant.
Genome position (GRCh38, 1-based): chr2:37,139,746, T>C on the plus strand (A>G on the coding strand, the complement: EIF2AK2 is on the minus strand). VCF-style: chr2-37139746-T-C. GRCh37 (hg19) VCF-style: chr2-37366889-T-C.
Other names: c.401A>G, p.Lys134Arg (NM_001135652.3, NM_002759.4); short protein forms K134R.
Identifiers: ClinVar variation 2096979 (VCV002096979.4), dbSNP rs778234495, ClinGen allele CA1615335.

ClinVar aggregate classification (germline): Uncertain significance (1 of 4 stars; one submission).

Allele frequency attached by ClinVar (database versions not stated): gnomAD exomes below 0.00001; TOPMed below 0.00001; ExAC 0.00001.
gnomAD v4.1: 1 of 1,610,144 alleles (0.000062%); highest among the groups gnomAD compares: Admixed American, 0.0017%; no homozygotes.

Submission:

Labcorp Genetics (formerly Invitae), Labcorp
Classification: Uncertain significance. Last evaluated: 2023-12-11. Review status: criteria provided, single submitter. Criteria: Invitae Variant Classification Sherloc (09022015). Collection method: clinical testing. Allele origin: germline.
Comment: This sequence change replaces lysine, which is basic and polar, with arginine, which is basic and polar, at codon 134 of the EIF2AK2 protein (p.Lys134Arg). This variant is present in population databases (rs778234495, gnomAD 0.003%). This variant has not been reported in the literature in individuals affected with EIF2AK2-related conditions. ClinVar contains an entry for this variant (Variation ID: 2096979). Algorithms developed to predict the effect of missense changes on protein structure and function output the following: SIFT: "Not Available"; PolyPhen-2: "Benign"; Align-GVGD: "Not Available". The arginine amino acid residue is found in multiple mammalian species, which suggests that this missense change does not adversely affect protein function. In summary, the available evidence is currently insufficient to determine the role of this variant in disease. Therefore, it has been classified as a Variant of Uncertain Significance.